The following is an entry in ClinVar:

NM_006206.6(PDGFRA):c.3126G>A (p.Ser1042=)

Gene: PDGFRA (platelet derived growth factor receptor alpha; plus strand). Cytogenetic location: 4q12.
Variant type: single nucleotide variant.
Coding change: c.3126G>A on transcript NM_006206.6 (MANE Select); coding-DNA position 3126, G replaced by A.
Protein change: p.Ser1042=; no amino-acid change (serine 1042 retained).
Molecular consequence: synonymous variant.
Genome position (GRCh38, 1-based): chr4:54,295,128, G>A. VCF-style: chr4-54295128-G-A. GRCh37 (hg19) VCF-style: chr4-55161295-G-A.
Other names: c.3126G>A (NM_006206.5); c.3201G>A, p.Ser1067= (NM_001347828.2); c.3126G>A, p.Ser1042= (NM_001347829.2); c.3165G>A, p.Ser1055= (NM_001347830.2).
Identifiers: ClinVar variation 719252 (VCV000719252.18), dbSNP rs141904599, ClinGen allele CA2923046.

ClinVar aggregate classification (germline): Benign/Likely benign. Review status: criteria provided, multiple submitters, no conflicts (2 of 4 stars). 4 submissions from 4 submitters: Benign (1); Likely benign (2). 1 of the submissions does not count toward it. Last evaluated 2026-06-18.

Conditions:
Hereditary cancer-predisposing syndrome. Also called: Neoplastic Syndromes, Hereditary; Hereditary Cancer Syndrome; Hereditary neoplastic syndrome; Tumor predisposition. Identifiers: Orphanet 140162, MedGen C0027672, MeSH D009386, MONDO:0015356.
Gastrointestinal stromal tumor. Also called: Gastrointestinal stromal tumor, somatic; Gastrointestinal stroma tumor. Identifiers: Orphanet 44890, MedGen C0238198, MeSH D046152, MONDO:0011719, OMIM 606764, HP:0100723.
Polyps, multiple and recurrent inflammatory fibroid, gastrointestinal. Identifiers: MedGen C5193005, MONDO:0008285, OMIM 175510.
PDGFRA-related disorder. Also called: PDGFRA-related condition.

Allele frequency attached by ClinVar (database versions not stated): ExAC 0.00002; gnomAD 0.00004; TOPMed 0.00005; ESP Exome Variant Server 0.00015.
gnomAD v4.1: 12 of 1,613,800 alleles (0.00074%); highest among the groups gnomAD compares: African/African-American, 0.011%; no homozygotes.

Submissions (4):

Myriad Genetics, Inc.
Classification: Benign for Polyps, multiple and recurrent inflammatory fibroid, gastrointestinal. Last evaluated: 2026-06-18. Review status: criteria provided, single submitter. Criteria: Myriad Autosomal Dominant, Autosomal Recessive and X-Linked Classification Criteria (2023). Collection method: clinical testing. Allele origin: unknown.
Comment: This variant is considered benign. This variant is a silent/synonymous amino acid change and it is not expected to impact splicing.

Labcorp Genetics (formerly Invitae), Labcorp
Classification: Likely benign for Gastrointestinal stromal tumor. Last evaluated: 2025-12-17. Review status: criteria provided, single submitter. Criteria: Invitae Variant Classification Sherloc (09022015). Collection method: clinical testing. Allele origin: germline.

Ambry Genetics
Classification: Likely benign for Hereditary cancer-predisposing syndrome. Last evaluated: 2019-12-20. Review status: criteria provided, single submitter. Criteria: Ambry Variant Classification Scheme 2023. Collection method: clinical testing. Allele origin: germline.

PreventionGenetics, part of Exact Sciences
Classification: Likely benign for PDGFRA-related condition. Last evaluated: 2023-07-20. Review status: no assertion criteria provided. Collection method: clinical testing. Allele origin: germline. Not counted in ClinVar's aggregate classification.
Comment: This variant is classified as likely benign based on ACMG/AMP sequence variant interpretation guidelines (Richards et al. 2015 PMID: 25741868, with internal and published modifications).